The following is an entry in ClinVar:

ClinVar aggregate classification (germline): Pathogenic (1 of 4 stars; one submission).

Submission:

ISCA site 4
Classification: Pathogenic. Last evaluated: 2011-08-12. Review status: criteria provided, single submitter. Criteria: Kaminsky et al. (Genet Med. 2011). Collection method: clinical testing. Allele origin: unknown. Affected: yes. Observed: 1 variant allele.
Comment: Copy number variation identified through the course of routine clinical cytogenomic testing in postnatal populations. Clinical assertions have been curated as described in Kaminsky et al. 2011.

GRCh38/hg38 1q25.1-31.1(chr1:175035040-186042595)x1

Genes: ABL2 (ABL proto-oncogene 2, non-receptor tyrosine kinase; minus strand), ACBD6 (acyl-CoA binding domain containing 6; minus strand), ANGPTL1 (angiopoietin like 1; minus strand), APOBEC4 (apolipoprotein B mRNA editing enzyme catalytic polypeptide like 4; minus strand), ARPC5 (actin related protein 2/3 complex subunit 5; minus strand) and 345 more. Cytogenetic location: 1q25.1-31.1.
Variant type: copy number loss.
Change: copy number 1 (one copy instead of two) of chr1:175,035,040-186,042,595 (11.01 Mb, GRCh38 coordinates, 1-based), cytogenetic band 1q25.1-31.1.
Identifiers: ClinVar variation 57510 (VCV000057510.1).